The following is an entry in ClinVar:

NM_001378454.1(ALMS1):c.1161T>C (p.His387=)

Gene: ALMS1 (ALMS1 centrosome and basal body associated protein; plus strand). Cytogenetic location: 2p13.1.
Variant type: single nucleotide variant.
Coding change: c.1161T>C on transcript NM_001378454.1 (MANE Select); coding-DNA position 1161, T replaced by C.
Protein change: p.His387=; no amino-acid change (histidine 387 retained).
Molecular consequence: synonymous variant.
Genome position (GRCh38, 1-based): chr2:73,424,826, T>C. VCF-style: chr2-73424826-T-C. GRCh37 (hg19) VCF-style: chr2-73651954-T-C.
Other names: c.1161T>C (NM_015120.4); c.1164T>C, p.His388= (NM_015120.4).
Identifiers: ClinVar variation 509492 (VCV000509492.47), dbSNP rs191091347, ClinGen allele CA1713058.

ClinVar aggregate classification (germline): Likely benign. Review status: criteria provided, multiple submitters, no conflicts (2 of 4 stars). 9 submissions from 9 submitters: Likely benign (9). Last evaluated 2026-02-03.

Conditions:
Cardiovascular phenotype. Identifiers: MedGen CN230736.
Alstrom syndrome (ALMS). Identifiers: Orphanet 64, MedGen C0268425, MONDO:0008763, OMIM 203800.

Allele frequency attached by ClinVar (database versions not stated): gnomAD exomes 0.00005 and 0.00010; ExAC 0.00013; gnomAD 0.00028 and 0.00030; TOPMed 0.00035; 1000 Genomes Project 0.00040; 1000 Genomes Project 30x 0.00047; ESP Exome Variant Server 0.00075.
gnomAD v4.1: 124 of 1,609,320 alleles (0.0077%); highest among the groups gnomAD compares: African/African-American, 0.14%; no homozygotes.

Submissions (9):

Labcorp Genetics (formerly Invitae), Labcorp
Classification: Likely benign for Alstrom syndrome. Last evaluated: 2026-02-03. Review status: criteria provided, single submitter. Criteria: Invitae Variant Classification Sherloc (09022015). Collection method: clinical testing. Allele origin: germline.

Women's Health and Genetics/Laboratory Corporation of America, LabCorp
Classification: Likely benign. Last evaluated: 2025-07-13. Review status: criteria provided, single submitter. Criteria: LabCorp Variant Classification Summary - May 2015. Collection method: clinical testing. Allele origin: germline.

Blueprint Genetics
Classification: Likely benign. Last evaluated: 2024-11-13. Review status: criteria provided, single submitter. Criteria: ACMG Guidelines, 2015. Collection method: clinical testing. Allele origin: germline.

CeGaT Center for Human Genetics Tuebingen
Classification: Likely benign. Last evaluated: 2022-10-01. Review status: criteria provided, single submitter. Criteria: CeGaT Center For Human Genetics Tuebingen Variant Classification Criteria Version 2. Collection method: clinical testing. Allele origin: germline. Affected: yes. Observed: 1 variant allele.
Comment: ALMS1: BP4, BP7

Fulgent Genetics
Classification: Likely benign for Alstrom syndrome. Last evaluated: 2021-08-09. Review status: criteria provided, single submitter. Criteria: ACMG Guidelines, 2015. Collection method: clinical testing. Allele origin: unknown.

GeneDx
Classification: Likely benign. Last evaluated: 2021-02-04. Review status: criteria provided, single submitter. Criteria: GeneDx Variant Classification Process June 2021. Collection method: clinical testing. Allele origin: germline. Affected: yes.

Ambry Genetics
Classification: Likely benign for Cardiovascular phenotype. Last evaluated: 2018-12-24. Review status: criteria provided, single submitter. Criteria: Ambry Variant Classification Scheme 2023. Collection method: clinical testing. Allele origin: germline.

Laboratory for Molecular Medicine, Mass General Brigham Personalized Medicine
Classification: Likely benign. Last evaluated: 2018-02-22. Review status: criteria provided, single submitter. Criteria: LMM Criteria. Collection method: clinical testing. Allele origin: germline. Observed: 1 variant allele.
Comment: p.His387His in exon 5 of ALMS1: This variant is not expected to have clinical si gnificance because it does not alter an amino acid residue, it is not located wi thin the splice consensus sequence, and it is not predicted to impact splicing. It has been identified in 0.16% (16/9792) of African chromosomes by the Exome Ag gregation Consortium (ExAC; dbSNP rs191091347). ACMG/AMP Criteria applied: BP4, BP7.

Breakthrough Genomics
Classification: Likely benign. Review status: criteria provided, single submitter. Criteria: ACMG Guidelines, 2015. Collection method: not provided. Allele origin: germline. Inheritance: Autosomal recessive inheritance. Affected: yes.